The following is an entry in ClinVar:

ClinVar aggregate classification (germline): Uncertain significance. Review status: criteria provided, multiple submitters, no conflicts (2 of 4 stars). 2 submissions from 2 submitters: Uncertain significance (2). Last evaluated 2022-11-01.

Conditions:
Absence seizure. Also called: Absence epilepsy. Identifiers: Orphanet 1941, MedGen C0014553.
Myoclonic epilepsy, juvenile, susceptibility to, 1. Also called: Myoclonic Epilepsy, Juvenile, 1; EJM1. Identifiers: MedGen C1850778, MONDO:0020752, OMIM 254770.

Allele frequency attached by ClinVar (database versions not stated): gnomAD exomes 0.00002 and 0.00005; ExAC 0.00006; gnomAD 0.00010; TOPMed 0.00010; ESP Exome Variant Server 0.00015.
gnomAD v4.1: 50 of 1,614,022 alleles (0.0031%); highest among the groups gnomAD compares: African/African-American, 0.044%; no homozygotes.

Submissions (2):

Labcorp Genetics (formerly Invitae), Labcorp
Classification: Uncertain significance for Myoclonic epilepsy, juvenile, susceptibility to, 1; Absence seizure. Last evaluated: 2022-11-01. Review status: criteria provided, single submitter. Criteria: Invitae Variant Classification Sherloc (09022015). Collection method: clinical testing. Allele origin: germline.
Comment: Advanced modeling of protein sequence and biophysical properties (such as structural, functional, and spatial information, amino acid conservation, physicochemical variation, residue mobility, and thermodynamic stability) performed at Invitae indicates that this missense variant is not expected to disrupt EFHC1 protein function. In summary, the available evidence is currently insufficient to determine the role of this variant in disease. Therefore, it has been classified as a Variant of Uncertain Significance. ClinVar contains an entry for this variant (Variation ID: 534108). This sequence change replaces histidine, which is basic and polar, with tyrosine, which is neutral and polar, at codon 162 of the EFHC1 protein (p.His162Tyr). This variant is present in population databases (rs112800954, gnomAD 0.03%). This variant has not been reported in the literature in individuals affected with EFHC1-related conditions.

Eurofins Ntd Llc (ga)
Classification: Uncertain significance. Last evaluated: 2017-08-16. Review status: criteria provided, single submitter. Criteria: EGL Classification Definitions 2015. Collection method: clinical testing. Allele origin: germline. Observed: 1 variant allele, 1 heterozygote.

NM_018100.4(EFHC1):c.484C>T (p.His162Tyr)

Gene: EFHC1 (EF-hand domain containing 1; plus strand). Cytogenetic location: 6p12.2.
Variant type: single nucleotide variant.
Coding change: c.484C>T on transcript NM_018100.4 (MANE Select); coding-DNA position 484, C replaced by T.
Protein change: p.His162Tyr; replaces histidine 162 with tyrosine.
Molecular consequence: missense variant. On other transcripts: non-coding transcript variant (1).
Genome position (GRCh38, 1-based): chr6:52,438,502, C>T. VCF-style: chr6-52438502-C-T. GRCh37 (hg19) VCF-style: chr6-52303300-C-T.
Other names: c.427C>T, p.His143Tyr (NM_001172420.2); short protein forms H162Y, H143Y.
Identifiers: ClinVar variation 534108 (VCV000534108.17), dbSNP rs112800954, ClinGen allele CA3855751.